The following is an entry in ClinVar:

NM_016239.4(MYO15A):c.4429C>T (p.Arg1477Cys)

Gene: MYO15A (myosin XVA; plus strand). Cytogenetic location: 17p11.2.
Variant type: single nucleotide variant.
Coding change: c.4429C>T on transcript NM_016239.4 (MANE Select); coding-DNA position 4429, C replaced by T.
Protein change: p.Arg1477Cys; replaces arginine 1477 with cysteine.
Molecular consequence: missense variant.
Genome position (GRCh38, 1-based): chr17:18,133,333, C>T. VCF-style: chr17-18133333-C-T. GRCh37 (hg19) VCF-style: chr17-18036647-C-T.
Other names: short protein forms R1477C.
Identifiers: ClinVar variation 800767 (VCV000800767.2), dbSNP rs774077101, ClinGen allele CA8423876.

ClinVar aggregate classification (germline): Uncertain significance. Review status: criteria provided, single submitter (1 of 4 stars). 2 submissions from 2 submitters: Uncertain significance (1). 1 of the submissions does not count toward it. Last evaluated 2025-06-10.

Conditions:
Autosomal recessive nonsyndromic hearing loss 3. Also called: NEUROSENSORY NONSYNDROMIC RECESSIVE DEAFNESS 3. Identifiers: Orphanet 90636, MedGen C1838263, MONDO:0010860, OMIM 600316.
MYO15A-related disorder. Also called: MYO15A-related condition.

Allele frequency attached by ClinVar (database versions not stated): ExAC 0.00001; gnomAD exomes 0.00001.
gnomAD v4.1: 15 of 1,614,204 alleles (0.00093%); highest among the groups gnomAD compares: East Asian, 0.0022%; no homozygotes.

Submissions (2):

PreventionGenetics, part of Exact Sciences
Classification: Uncertain significance for MYO15A-related condition. Last evaluated: 2025-06-10. Review status: criteria provided, single submitter. Criteria: ACMG Guidelines, 2015. Collection method: clinical testing. Allele origin: germline.
Comment: The MYO15A c.4429C>T variant is predicted to result in the amino acid substitution p.Arg1477Cys. To our knowledge, this variant has not been reported in the literature. This variant is reported in 0.0056% of alleles in individuals of East Asian descent in gnomAD. At this time, the clinical significance of this variant is uncertain due to the absence of conclusive functional and genetic evidence.

Biochemical Molecular Genetic Laboratory, King Abdulaziz Medical City
Classification: Uncertain significance for Autosomal recessive nonsyndromic hearing loss 3. Last evaluated: 2019-01-29. Review status: no assertion criteria provided. Collection method: clinical testing. Allele origin: germline. Affected: yes. Not counted in ClinVar's aggregate classification.